The following is an entry in ClinVar:

NM_018325.5(C9orf72):c.1404C>T (p.Phe468=)

Gene: C9orf72 (C9orf72-SMCR8 complex subunit; minus strand). Cytogenetic location: 9p21.2.
Variant type: single nucleotide variant.
Coding change: c.1404C>T on transcript NM_018325.5 (MANE Select); coding-DNA position 1404, C replaced by T.
Protein change: p.Phe468=; no amino-acid change (phenylalanine 468 retained).
Molecular consequence: synonymous variant.
Genome position (GRCh38, 1-based): chr9:27,548,278, G>A on the plus strand (C>T on the coding strand, the complement: C9orf72 is on the minus strand). VCF-style: chr9-27548278-G-A. GRCh37 (hg19) VCF-style: chr9-27548276-G-A.
Other names: c.1404C>T, p.Phe468= (NM_001256054.3).
Identifiers: ClinVar variation 366508 (VCV000366508.36), dbSNP rs141063383, ClinGen allele CA5017626.

ClinVar aggregate classification (germline): Benign/Likely benign. Review status: criteria provided, multiple submitters, no conflicts (2 of 4 stars). 7 submissions from 7 submitters: Benign (3); Likely benign (2). 2 of the submissions do not count toward it. Last evaluated 2024-11-19.

Conditions:
Frontotemporal dementia and/or amyotrophic lateral sclerosis 1 (FTDALS1). Also called: Frontotemporal dementia with motor neuron disease 1; C9orf72 Frontotemporal Dementia and/or Amyotrophic Lateral Sclerosis. Identifiers: Orphanet 275872, MedGen C5779877, MONDO:0007105, OMIM 105550.

Allele frequency attached by ClinVar (database versions not stated): gnomAD exomes 0.00292 and 0.00404; gnomAD 0.00307 and 0.00352; 1000 Genomes Project 30x 0.00328; ESP Exome Variant Server 0.00400; 1000 Genomes Project 0.00280; ExAC 0.00281; TOPMed 0.00404.
gnomAD v4.1: 6,456 of 1,612,814 alleles (0.4%); highest among the groups gnomAD compares: Non-Finnish European, 0.46%; 12 homozygotes.

Submissions (7):

Blueprint Genetics
Classification: Likely benign. Last evaluated: 2024-11-19. Review status: criteria provided, single submitter. Criteria: ACMG Guidelines, 2015. Collection method: clinical testing. Allele origin: germline.

CeGaT Center for Human Genetics Tuebingen
Classification: Likely benign. Last evaluated: 2023-08-01. Review status: criteria provided, single submitter. Criteria: CeGaT Center For Human Genetics Tuebingen Variant Classification Criteria Version 2. Collection method: clinical testing. Allele origin: germline. Affected: yes. Observed: 3 variant alleles.
Comment: C9orf72: BP4, BS1

Illumina Laboratory Services, Illumina
Classification: Benign for Frontotemporal dementia and/or amyotrophic lateral sclerosis 1. Last evaluated: 2018-01-13. Review status: criteria provided, single submitter. Criteria: ICSL Variant Classification Criteria 13 December 2019. Collection method: clinical testing. Allele origin: germline.
Comment: This variant was observed in the ICSL laboratory as part of a predisposition screen in an ostensibly healthy population. It had not been previously curated by ICSL or reported in the Human Gene Mutation Database (HGMD: prior to June 1st, 2018), and was therefore a candidate for classification through an automated scoring system. Utilizing variant allele frequency, disease prevalence and penetrance estimates, and inheritance mode, an automated score was calculated to assess if this variant is too frequent to cause the disease. Based on the score and internal cut-off values, a variant classified as benign is not then subjected to further curation. The score for this variant resulted in a classification of benign for this disease.

Labcorp Genetics (formerly Invitae), Labcorp
Classification: Benign. Last evaluated: 2017-09-12. Review status: criteria provided, single submitter. Criteria: Invitae Variant Classification Sherloc (09022015). Collection method: clinical testing. Allele origin: germline.

Breakthrough Genomics
Classification: Benign. Review status: criteria provided, single submitter. Criteria: ACMG Guidelines, 2015. Collection method: not provided. Allele origin: germline. Inheritance: Autosomal dominant inheritance. Affected: yes.

Clinical Genetics DNA and cytogenetics Diagnostics Lab, Erasmus MC, Erasmus Medical Center
Classification: Likely benign. Review status: no assertion criteria provided. Collection method: clinical testing. Allele origin: germline. Affected: yes. Study: VKGL Data-share Consensus. Not counted in ClinVar's aggregate classification.

Genome Diagnostics Laboratory, Amsterdam University Medical Center
Classification: Likely benign. Review status: no assertion criteria provided. Collection method: clinical testing. Allele origin: germline. Affected: yes. Study: VKGL Data-share Consensus. Not counted in ClinVar's aggregate classification.